The following is an entry in ClinVar:

ClinVar aggregate classification (germline): Uncertain significance (1 of 4 stars; one submission).

Conditions:
Hereditary cancer-predisposing syndrome. Also called: Neoplastic Syndromes, Hereditary; Hereditary Cancer Syndrome; Hereditary neoplastic syndrome; Tumor predisposition. Identifiers: Orphanet 140162, MedGen C0027672, MeSH D009386, MONDO:0015356.

Allele frequency attached by ClinVar (database versions not stated): gnomAD exomes below 0.00001; ExAC 0.00001.
gnomAD v4.1: 1 of 1,614,002 alleles (0.000062%); highest among the groups gnomAD compares: African/African-American, 0.0013%; no homozygotes.

Submission:

Ambry Genetics
Classification: Uncertain significance for Hereditary cancer-predisposing syndrome. Last evaluated: 2023-06-13. Review status: criteria provided, single submitter. Criteria: Ambry Variant Classification Scheme 2023. Collection method: clinical testing. Allele origin: germline.
Comment: The p.S666F variant (also known as c.1997C>T), located in coding exon 4 of the MSH6 gene, results from a C to T substitution at nucleotide position 1997. The serine at codon 666 is replaced by phenylalanine, an amino acid with highly dissimilar properties. This amino acid position is well conserved in available vertebrate species. In addition, the in silico prediction for this alteration is inconclusive. Since supporting evidence is limited at this time, the clinical significance of this alteration remains unclear.

NM_000179.3(MSH6):c.1997C>T (p.Ser666Phe)

Gene: MSH6 (mutS homolog 6; plus strand). Cytogenetic location: 2p16.3.
Variant type: single nucleotide variant.
Coding change: c.1997C>T on transcript NM_000179.3 (MANE Select); coding-DNA position 1997, C replaced by T.
Protein change: p.Ser666Phe; replaces serine 666 with phenylalanine.
Molecular consequence: missense variant. On other transcripts: non-coding transcript variant (5), intron variant (2).
Genome position (GRCh38, 1-based): chr2:47,799,980, C>T. VCF-style: chr2-47799980-C-T. GRCh37 (hg19) VCF-style: chr2-48027119-C-T.
Other names: c.1997C>T, p.Ser666Phe (NM_001406809.1, NM_001406808.1, NM_001406796.1 and 3 more transcripts); c.1091C>T, p.Ser364Phe (NM_001406811.1, NM_001281494.2, NM_001406812.1 and 6 more transcripts); c.2093C>T, p.Ser698Phe (NM_001406795.1, NM_001406802.1); c.1700C>T, p.Ser567Phe (NM_001406797.1, NM_001406801.1, NM_001406805.1 and 10 more transcripts); c.1472C>T, p.Ser491Phe (NM_001406799.1, NM_001406806.1, NM_001406807.1); c.1919C>T, p.Ser640Phe (NM_001406804.1); c.2003C>T, p.Ser668Phe (NM_001406813.1); c.1829C>T, p.Ser610Phe (NM_001406826.1); and 3 more; short protein forms S567F, S364F, S668F, S698F, S491F, S536F, S610F, S666F.
Identifiers: ClinVar variation 2561260 (VCV002561260.2), dbSNP rs760494271, ClinGen allele CA068338.